The following is an entry in ClinVar:

NM_013314.4(BLNK):c.206A>G (p.Asp69Gly)

Gene: BLNK (B cell linker; minus strand). Cytogenetic location: 10q24.1.
Variant type: single nucleotide variant.
Coding change: c.206A>G on transcript NM_013314.4 (MANE Select); coding-DNA position 206, A replaced by G.
Protein change: p.Asp69Gly; replaces aspartic acid 69 with glycine.
Molecular consequence: missense variant. On other transcripts: non-coding transcript variant (4).
Genome position (GRCh38, 1-based): chr10:96,227,565, T>C on the plus strand (A>G on the coding strand, the complement: BLNK is on the minus strand). VCF-style: chr10-96227565-T-C. GRCh37 (hg19) VCF-style: chr10-97987321-T-C.
Other names: c.206A>G, p.Asp69Gly (NM_001114094.2, NM_001258440.2, NM_001258441.2 and 1 more transcripts); short protein forms D69G.
Identifiers: ClinVar variation 855440 (VCV000855440.9), dbSNP rs199765600, ClinGen allele CA5623539.

ClinVar aggregate classification (germline): Uncertain significance. Review status: criteria provided, multiple submitters, no conflicts (2 of 4 stars). 2 submissions from 2 submitters: Uncertain significance (2). Last evaluated 2025-06-09.

Conditions:
Agammaglobulinemia 4, autosomal recessive (AGM4). Also called: B cell linker protein deficiency; AGAMMAGLOBULINEMIA, AUTOSOMAL RECESSIVE, DUE TO BLNK DEFECT. Identifiers: MedGen C3150752, MONDO:0013289, OMIM 613502.
Inborn genetic diseases. Identifiers: MedGen C0950123, MeSH D030342.

Allele frequency attached by ClinVar (database versions not stated): gnomAD exomes 0.00004 and 0.00006; TOPMed 0.00003; ESP Exome Variant Server 0.00008; ExAC 0.00002; gnomAD 0.00005.
gnomAD v4.1: 101 of 1,613,912 alleles (0.0063%); highest among the groups gnomAD compares: Non-Finnish European, 0.0081%; no homozygotes.

Submissions (2):

Ambry Genetics
Classification: Uncertain significance for Inborn genetic diseases. Last evaluated: 2025-06-09. Review status: criteria provided, single submitter. Criteria: Ambry Variant Classification Scheme 2023. Collection method: clinical testing. Allele origin: germline.

Labcorp Genetics (formerly Invitae), Labcorp
Classification: Uncertain significance for Agammaglobulinemia 4, autosomal recessive. Last evaluated: 2022-06-04. Review status: criteria provided, single submitter. Criteria: Invitae Variant Classification Sherloc (09022015). Collection method: clinical testing. Allele origin: germline.
Comment: This sequence change replaces aspartic acid, which is acidic and polar, with glycine, which is neutral and non-polar, at codon 69 of the BLNK protein (p.Asp69Gly). This variant is present in population databases (rs199765600, gnomAD 0.01%). This variant has not been reported in the literature in individuals affected with BLNK-related conditions. ClinVar contains an entry for this variant (Variation ID: 855440). Algorithms developed to predict the effect of missense changes on protein structure and function (SIFT, PolyPhen-2, Align-GVGD) all suggest that this variant is likely to be tolerated. In summary, the available evidence is currently insufficient to determine the role of this variant in disease. Therefore, it has been classified as a Variant of Uncertain Significance.